The following is an entry in ClinVar:

NM_001040716.2(PC):c.2320G>A (p.Asp774Asn)

Gene: PC (pyruvate carboxylase; minus strand). Cytogenetic location: 11q13.2.
Variant type: single nucleotide variant.
Coding change: c.2320G>A on transcript NM_001040716.2 (MANE Select); coding-DNA position 2320, G replaced by A.
Protein change: p.Asp774Asn; replaces aspartic acid 774 with asparagine.
Molecular consequence: missense variant.
Genome position (GRCh38, 1-based): chr11:66,850,827, C>T on the plus strand (G>A on the coding strand, the complement: PC is on the minus strand). VCF-style: chr11-66850827-C-T. GRCh37 (hg19) VCF-style: chr11-66618298-C-T.
Other names: c.2320G>A, p.Asp774Asn (NM_000920.4, NM_022172.3); c.2320G>A (NM_000920.3); short protein forms D774N.
Identifiers: ClinVar variation 1347651 (VCV001347651.4), dbSNP rs1453225876, ClinGen allele CA381493226.

ClinVar aggregate classification (germline): Uncertain significance. Review status: criteria provided, multiple submitters, no conflicts (2 of 4 stars). 2 submissions from 2 submitters: Uncertain significance (2). Last evaluated 2023-07-27.

Conditions:
Pyruvate carboxylase deficiency. Also called: ATAXIA WITH LACTIC ACIDOSIS II; LEIGH NECROTIZING ENCEPHALOPATHY DUE TO PYRUVATE CARBOXYLASE DEFICIENCY; LEIGH SYNDROME DUE TO PYRUVATE CARBOXYLASE DEFICIENCY; PC DEFICIENCY; Pyruvate Carboxylase Deficiency Disease. Identifiers: Orphanet 3008, MedGen C0034341, MONDO:0009949, OMIM 266150.

Allele frequency attached by ClinVar (database versions not stated): gnomAD exomes 0.00001.
gnomAD v4.1: 7 of 1,612,128 alleles (0.00043%); highest among the groups gnomAD compares: South Asian, 0.0055%; no homozygotes.

Submissions (2):

GeneDx
Classification: Uncertain significance. Last evaluated: 2023-07-27. Review status: criteria provided, single submitter. Criteria: GeneDx Variant Classification Process June 2021. Collection method: clinical testing. Allele origin: germline. Affected: yes.
Comment: Not observed at significant frequency in large population cohorts (gnomAD); In silico analysis supports that this missense variant has a deleterious effect on protein structure/function; Has not been previously published as pathogenic or benign to our knowledge

Labcorp Genetics (formerly Invitae), Labcorp
Classification: Uncertain significance for Pyruvate carboxylase deficiency. Last evaluated: 2022-08-09. Review status: criteria provided, single submitter. Criteria: Invitae Variant Classification Sherloc (09022015). Collection method: clinical testing. Allele origin: germline.
Comment: This sequence change replaces aspartic acid, which is acidic and polar, with asparagine, which is neutral and polar, at codon 774 of the PC protein (p.Asp774Asn). This variant is not present in population databases (gnomAD no frequency). This variant has not been reported in the literature in individuals affected with PC-related conditions. ClinVar contains an entry for this variant (Variation ID: 1347651). Algorithms developed to predict the effect of missense changes on protein structure and function are either unavailable or do not agree on the potential impact of this missense change (SIFT: "Deleterious"; PolyPhen-2: "Probably Damaging"; Align-GVGD: "Class C0"). In summary, the available evidence is currently insufficient to determine the role of this variant in disease. Therefore, it has been classified as a Variant of Uncertain Significance.